The following is an entry in ClinVar:

ClinVar aggregate classification (germline): Uncertain significance (1 of 4 stars; one submission).

gnomAD v4.1: 1 of 1,614,168 alleles (0.000062%); highest among the groups gnomAD compares: Non-Finnish European, 0.000085%; no homozygotes.

Submission:

GeneDx
Classification: Uncertain significance. Last evaluated: 2024-03-18. Review status: criteria provided, single submitter. Criteria: GeneDx Variant Classification Process June 2021. Collection method: clinical testing. Allele origin: germline. Affected: yes.
Comment: Not observed at significant frequency in large population cohorts (gnomAD); In silico analysis supports that this missense variant has a deleterious effect on protein structure/function; Has not been previously published as pathogenic or benign to our knowledge

NM_006946.4(SPTBN2):c.4786G>T (p.Asp1596Tyr)

Gene: SPTBN2 (spectrin beta, non-erythrocytic 2; minus strand). Cytogenetic location: 11q13.2.
Variant type: single nucleotide variant.
Coding change: c.4786G>T on transcript NM_006946.4 (MANE Select); coding-DNA position 4786, G replaced by T.
Protein change: p.Asp1596Tyr; replaces aspartic acid 1596 with tyrosine.
Molecular consequence: missense variant.
Genome position (GRCh38, 1-based): chr11:66,693,254, C>A on the plus strand (G>T on the coding strand, the complement: SPTBN2 is on the minus strand). VCF-style: chr11-66693254-C-A. GRCh37 (hg19) VCF-style: chr11-66460725-C-A.
Other names: c.4807G>T, p.Asp1603Tyr (NM_001411025.1); short protein forms D1596Y, D1603Y.
Identifiers: ClinVar variation 3370806 (VCV003370806.1).